The following is an entry in ClinVar:

NM_000458.4(HNF1B):c.1045+1G>T

Gene: HNF1B (HNF1 homeobox B; minus strand). Cytogenetic location: 17q12.
Variant type: single nucleotide variant.
Coding change: c.1045+1G>T on transcript NM_000458.4 (MANE Select); the canonical splice donor site of the intron after coding-DNA position 1045, G replaced by T.
Molecular consequence: splice donor variant.
Genome position (GRCh38, 1-based): chr17:37,731,594, C>A on the plus strand (G>T on the coding strand, the complement: HNF1B is on the minus strand). VCF-style: chr17-37731594-C-A. GRCh37 (hg19) VCF-style: chr17-36091585-C-A.
Other names: c.967+1G>T (NM_001304286.2, NM_001165923.4); c.1045+1G>T (NM_001411100.1).
Identifiers: ClinVar variation 4294451 (VCV004294451.1).
Genomic context (GRCh38, chr17:37,731,594, plus strand): 5'-ATCCGTGGCAAGAACCAGGATGGTTGGGTTGCCGAGGCAGTGAGGCCCAACCTTTGCTTA[C>A]CTGACAGCTTGTTTGGAGGAGAGGAGCTGGGCTGGTGGTGGGGGGAGCCGTGGGAGAGCA-3'

ClinVar aggregate classification (germline): Likely pathogenic (1 of 4 stars; one submission).

Conditions:
Renal cysts and diabetes syndrome (RCAD). Also called: MATURITY-ONSET DIABETES OF THE YOUNG, TYPE 5; Familial hypoplastic, glomerulocystic kidney. Identifiers: Orphanet 93111, MedGen C0431693, MONDO:0007669, OMIM 137920.

Submission:

Molecular Genetics Department, Kulakov National Medical Research Center for Obstetrics, Gynecology and Perinatology
Classification: Likely pathogenic for Renal cysts and diabetes syndrome. Review status: criteria provided, single submitter. Criteria: ACMG Guidelines, 2015. Collection method: clinical testing. Allele origin: germline. Affected: yes. Observed: 1 variant allele.
Comment: A previously undescribed heterozygous nucleotide variant creates an alteration of the canonical splice site c.1045+1G>T in the HNF1B gene. Heterozygous variants leading to loss of full-length protein are reported in patients with renal cysts and diabetes syndrome, 137920. The variant is not present in population database (gnomAD no frequency). Another variant resulting in an alteration of the canonical splice site c.1045+1G>A has been described in a patient with renal cysts and diabetes syndrome [Şimşek et al., 2024, PMID: 38054414; Pezzino et al., 2024, PMID: 37597176]. In summary, the currently available evidence indicates that the variant is pathogenic, but additional data are needed to prove that conclusively. Therefore, this variant has been classified as likely pathogenic.

Literature cited by the submitters: PubMed 38054414; PubMed 37597176.